The following is an entry in ClinVar:

ClinVar aggregate classification (germline): Uncertain significance (1 of 4 stars; one submission).

Conditions:
Optic atrophy 3 (OPA3). Also called: OPTIC ATROPHY 3, AUTOSOMAL DOMINANT; Optic atrophy, cataract, and neurologic disorder; Optic atrophy 3 with cataract. Identifiers: Orphanet 67036, MedGen C1833809, MONDO:0008133, OMIM 165300.
3-Methylglutaconic aciduria type 3 (MGCA3). Also called: OPA3, AUTOSOMAL RECESSIVE; OPTIC ATROPHY 3, AUTOSOMAL RECESSIVE; OPA3-Related 3-Methylglutaconic Aciduria; Costeff Syndrome. Identifiers: Orphanet 67047, MedGen C0574084, MONDO:0009787, OMIM 258501.

Submission:

Labcorp Genetics (formerly Invitae), Labcorp
Classification: Uncertain significance for 3-Methylglutaconic aciduria type 3; Optic atrophy 3. Last evaluated: 2022-02-18. Review status: criteria provided, single submitter. Criteria: Invitae Variant Classification Sherloc (09022015). Collection method: clinical testing. Allele origin: germline.
Comment: This sequence change replaces glycine, which is neutral and non-polar, with aspartic acid, which is acidic and polar, at codon 127 of the OPA3 protein (p.Gly127Asp). This variant is not present in population databases (gnomAD no frequency). This variant has not been reported in the literature in individuals affected with OPA3-related conditions. Algorithms developed to predict the effect of missense changes on protein structure and function (SIFT, PolyPhen-2, Align-GVGD) all suggest that this variant is likely to be tolerated. In summary, the available evidence is currently insufficient to determine the role of this variant in disease. Therefore, it has been classified as a Variant of Uncertain Significance.

NM_025136.4(OPA3):c.380G>A (p.Gly127Asp)

Genes: OPA3 (outer mitochondrial membrane lipid metabolism regulator OPA3; minus strand), OPA3-RTN2 (OPA3-RTN2 readthrough; minus strand). Cytogenetic location: 19q13.32.
Variant type: single nucleotide variant.
Coding change: c.380G>A on transcript NM_025136.4 (MANE Select); coding-DNA position 380, G replaced by A.
Protein change: p.Gly127Asp; replaces glycine 127 with aspartic acid.
Molecular consequence: missense variant. On other transcripts: intron variant (1).
Genome position (GRCh38, 1-based): chr19:45,553,674, C>T on the plus strand (G>A on the coding strand, the complement: OPA3 is on the minus strand). VCF-style: chr19-45553674-C-T. GRCh37 (hg19) VCF-style: chr19-46056932-C-T.
Other names: c.143-24218G>A (NM_001017989.3); short protein forms G127D.
Identifiers: ClinVar variation 2098816 (VCV002098816.4), dbSNP rs1400102769, ClinGen allele CA406370282.